The following is an entry in ClinVar:

ClinVar aggregate classification (germline): Uncertain significance. Review status: criteria provided, multiple submitters, no conflicts (2 of 4 stars). 5 submissions from 5 submitters: Uncertain significance (5). Last evaluated 2024-03-12.

Conditions:
Cardiomyopathy (CMYO). Also called: Cardiomyopathies. Identifiers: Orphanet 167848, MedGen C0878544, MONDO:0004994, HP:0001638. Inheritance: Various modes of inheritance.
Catecholaminergic polymorphic ventricular tachycardia (CVPT). Also called: Catecholamine-induced polymorphic ventricular tachycardia. Identifiers: Orphanet 3286, MedGen C5574922, MONDO:0017990.
Catecholaminergic polymorphic ventricular tachycardia 1. Also called: RYR2-Related Catecholaminergic Polymorphic Ventricular Tachycardia; VENTRICULAR TACHYCARDIA, CATECHOLAMINERGIC POLYMORPHIC, 1, WITH OR WITHOUT ATRIAL DYSFUNCTION AND/OR DILATED CARDIOMYOPATHY; VENTRICULAR TACHYCARDIA, STRESS-INDUCED POLYMORPHIC 1. Identifiers: Orphanet 3286, MedGen C1631597, MONDO:0011484, OMIM 604772.

Allele frequency attached by ClinVar (database versions not stated): TOPMed below 0.00001; ExAC 0.00001; gnomAD 0.00001; gnomAD exomes below 0.00001 and 0.00001.
gnomAD v4.1: 6 of 1,613,776 alleles (0.00037%); highest among the groups gnomAD compares: South Asian, 0.0022%; no homozygotes.

Submissions (5):

Women's Health and Genetics/Laboratory Corporation of America, LabCorp
Classification: Uncertain significance. Last evaluated: 2024-03-12. Review status: criteria provided, single submitter. Criteria: LabCorp Variant Classification Summary - May 2015. Collection method: clinical testing. Allele origin: germline.
Comment: Variant summary: RYR2 c.12298G>A (p.Val4100Ile) results in a conservative amino acid change in the encoded protein sequence. Four of five in-silico tools predict a damaging effect of the variant on protein function. The variant allele was found at a frequency of 8.1e-06 in 248206 control chromosomes. The available data on variant occurrences in the general population are insufficient to allow any conclusion about variant significance. To our knowledge, no occurrence of c.12298G>A in individuals affected with Catecholaminergic Polymorphic Ventricular Tachycardia and no experimental evidence demonstrating its impact on protein function have been reported. ClinVar contains an entry for this variant (Variation ID: 201328). Based on the evidence outlined above, the variant was classified as uncertain significance.

Color Diagnostics, LLC DBA Color Health
Classification: Uncertain significance for Cardiomyopathy. Last evaluated: 2024-03-06. Review status: criteria provided, single submitter. Criteria: ACMG Guidelines, 2015. Collection method: clinical testing. Allele origin: germline.
Comment: This missense variant replaces valine with isoleucine at codon 4100 of the RYR2 protein. Computational prediction is inconclusive regarding the impact of this variant on protein structure and function (internally defined REVEL score threshold 0.5 < inconclusive < 0.7, PMID: 27666373). To our knowledge, functional studies have not been reported for this variant. This variant has not been reported in individuals affected with RYR2-related disorders in the literature. This variant has been identified in 2/248206 chromosomes in the general population by the Genome Aggregation Database (gnomAD). The available evidence is insufficient to determine the role of this variant in disease conclusively. Therefore, this variant is classified as a Variant of Uncertain Significance.

All of Us Research Program, National Institutes of Health
Classification: Uncertain significance for Catecholaminergic polymorphic ventricular tachycardia. Last evaluated: 2023-12-18. Review status: criteria provided, single submitter. Criteria: ACMG Guidelines, 2015. Collection method: clinical testing. Allele origin: germline. Inheritance: Autosomal dominant inheritance. Observed: 1 variant allele, 1 heterozygote.
Comment: This missense variant replaces valine with isoleucine at codon 4100 of the RYR2 protein. Computational prediction is inconclusive regarding the impact of this variant on protein structure and function (internally defined REVEL score threshold 0.5 < inconclusive < 0.7, PMID: 27666373). To our knowledge, functional studies have not been reported for this variant. This variant has not been reported in individuals affected with cardiovascular disorders in the literature. This variant has been identified in 2/248206 chromosomes in the general population by the Genome Aggregation Database (gnomAD). The available evidence is insufficient to determine the role of this variant in disease conclusively. Therefore, this variant is classified as a Variant of Uncertain Significance.

This study involves interpretation of variants in research participants for the purpose of population health screening. Participant phenotype was not available at the time of variant classification. Additional details can be found in publication PMID: 35346344, PMCID: PMC8962531

Labcorp Genetics (formerly Invitae), Labcorp
Classification: Uncertain significance for Catecholaminergic polymorphic ventricular tachycardia 1. Last evaluated: 2022-09-17. Review status: criteria provided, single submitter. Criteria: Invitae Variant Classification Sherloc (09022015). Collection method: clinical testing. Allele origin: germline.
Comment: This sequence change replaces valine, which is neutral and non-polar, with isoleucine, which is neutral and non-polar, at codon 4100 of the RYR2 protein (p.Val4100Ile). This variant is present in population databases (rs758785338, gnomAD 0.01%). This variant has not been reported in the literature in individuals affected with RYR2-related conditions. ClinVar contains an entry for this variant (Variation ID: 201328). Advanced modeling of protein sequence and biophysical properties (such as structural, functional, and spatial information, amino acid conservation, physicochemical variation, residue mobility, and thermodynamic stability) performed at Invitae indicates that this missense variant is expected to disrupt RYR2 protein function. In summary, the available evidence is currently insufficient to determine the role of this variant in disease. Therefore, it has been classified as a Variant of Uncertain Significance.

GeneDx
Classification: Uncertain significance. Last evaluated: 2020-09-04. Review status: criteria provided, single submitter. Criteria: GeneDx Variant Classification Process June 2021. Collection method: clinical testing. Allele origin: germline. Affected: yes.
Comment: Not observed at a significant frequency in large population cohorts (Lek et al., 2016); In silico analysis supports that this missense variant does not alter protein structure/function; Has not been previously published as pathogenic or benign to our knowledge; Located in one of the three hot-spot regions of the RYR2 gene, where the majority of pathogenic missense variants occur (Medeiros-Domingo et al., 2009)

NM_001035.3(RYR2):c.12298G>A (p.Val4100Ile)

Gene: RYR2 (ryanodine receptor 2; plus strand). Cytogenetic location: 1q43.
Variant type: single nucleotide variant.
Coding change: c.12298G>A on transcript NM_001035.3 (MANE Select); coding-DNA position 12298, G replaced by A.
Protein change: p.Val4100Ile; replaces valine 4100 with isoleucine.
Molecular consequence: missense variant.
Genome position (GRCh38, 1-based): chr1:237,784,010, G>A. VCF-style: chr1-237784010-G-A. GRCh37 (hg19) VCF-style: chr1-237947310-G-A.
Other names: p.V4100I:GTC>ATC; c.12298G>A, p.Val4100Ile (LRG_402t1); short protein forms V4100I.
Identifiers: ClinVar variation 201328 (VCV000201328.14), dbSNP rs758785338, ClinGen allele CA007445.